The following is an entry in ClinVar:

NM_007294.4(BRCA1):c.5028A>G (p.Leu1676=)

Gene: BRCA1 (BRCA1 DNA repair associated; minus strand). Cytogenetic location: 17q21.31.
Variant type: single nucleotide variant.
Coding change: c.5028A>G on transcript NM_007294.4 (MANE Select); coding-DNA position 5028, A replaced by G.
Protein change: p.Leu1676=; no amino-acid change (leucine 1676 retained).
Molecular consequence: synonymous variant. On other transcripts: intron variant (1).
Genome position (GRCh38, 1-based): chr17:43,067,654, T>C on the plus strand (A>G on the coding strand, the complement: BRCA1 is on the minus strand). VCF-style: chr17-43067654-T-C. GRCh37 (hg19) VCF-style: chr17-41219671-T-C.
Other names: c.4815A>G, p.Leu1605= (NM_001407571.1, NM_001407894.1, NM_001407895.1 and 12 more transcripts); c.5094A>G, p.Leu1698= (NM_001407581.1, NM_001407582.1); c.5091A>G, p.Leu1697= (NM_001407583.1, NM_001407585.1, NM_001407587.1 and 1 more transcripts); c.5088A>G, p.Leu1696= (NM_001407590.1, NM_001407591.1); c.5028A>G, p.Leu1676= (NM_001407593.1, NM_001407594.1, NM_001407596.1 and 8 more transcripts); c.5025A>G, p.Leu1675= (NM_001407610.1, NM_001407611.1, NM_001407612.1 and 17 more transcripts); c.5022A>G, p.Leu1674= (NM_001407627.1, NM_001407628.1, NM_001407629.1 and 14 more transcripts); c.5019A>G, p.Leu1673= (NM_001407644.1, NM_001407645.1); and 71 more.
Identifiers: ClinVar variation 427274 (VCV000427274.10), dbSNP rs1064793596, ClinGen allele CA500146361.

ClinVar aggregate classification (germline): Likely benign. Review status: reviewed by expert panel (3 of 4 stars). 4 submissions from 4 submitters: Likely benign (1). 3 of the submissions do not count toward it. Last evaluated 2017-06-29.

Conditions:
Hereditary breast ovarian cancer syndrome. Also called: Hereditary breast and ovarian cancer syndrome (HBOC); BRCA1- and BRCA2-Associated Hereditary Breast and Ovarian Cancer; Hereditary breast and/or ovarian cancer syndrome; Hereditary breast and ovarian cancer syndrome; Hereditary breast and ovarian cancer; Breast and ovarian cancer. Identifiers: Orphanet 145, MedGen C0677776, MeSH D061325, MONDO:0003582. Disease mechanism: loss of function.
Hereditary cancer-predisposing syndrome. Also called: Neoplastic Syndromes, Hereditary; Hereditary neoplastic syndrome; Tumor predisposition; Hereditary Cancer Syndrome. Identifiers: Orphanet 140162, MedGen C0027672, MeSH D009386, MONDO:0015356.
Breast-ovarian cancer, familial, susceptibility to, 1 (BROVCA1). Also called: BRCA1 Hereditary Breast and Ovarian Cancer; OVARIAN CANCER, SUSCEPTIBILITY TO. Identifiers: Orphanet 145, MedGen C2676676, MONDO:0011450, OMIM 604370. Disease mechanism: loss of function.

Submissions (5):

Evidence-based Network for the Interpretation of Germline Mutant Alleles (ENIGMA)
Classification: Likely benign for Breast-ovarian cancer, familial, susceptibility to, 1. Last evaluated: 2017-06-29. Review status: reviewed by expert panel. Criteria: ENIGMA BRCA1/2 Classification Criteria (2017-06-29). Collection method: curation. Allele origin: germline.
Comment: Synonymous substitution variant, with low bioinformatic likelihood to result in a splicing aberration (Splicing prior probability 0.02).

Labcorp Genetics (formerly Invitae), Labcorp
Classification: Likely benign for Hereditary breast ovarian cancer syndrome. Last evaluated: 2025-06-20. Review status: criteria provided, single submitter. Criteria: Invitae Variant Classification Sherloc (09022015). Collection method: clinical testing. Allele origin: germline. Not counted in ClinVar's aggregate classification.

Color Diagnostics, LLC DBA Color Health
Classification: Likely benign for Hereditary cancer-predisposing syndrome. Last evaluated: 2024-04-15. Review status: criteria provided, single submitter. Criteria: ACMG Guidelines, 2015. Collection method: clinical testing. Allele origin: germline. Not counted in ClinVar's aggregate classification.

Ambry Genetics
Classification: Likely benign for Hereditary cancer-predisposing syndrome. Last evaluated: 2021-10-03. Review status: criteria provided, single submitter. Criteria: Ambry Variant Classification Scheme 2023. Collection method: clinical testing. Allele origin: germline. Not counted in ClinVar's aggregate classification.

Brotman Baty Institute, University of Washington
No classification provided (evidence only). Condition: Breast-ovarian cancer, familial 1. Review status: no classification provided. Collection method: in vitro. Allele origin: not applicable. Functional consequence: functionally_normal. Not counted in ClinVar's aggregate classification.
ClinVar note: "not provided" was previously submitted as the classification for the variant. However, the classification appeared to be based only on an observation of functional data so it was converted to no classification on 2025-07-30.